The following is an entry in ClinVar:

NM_001844.5(COL2A1):c.3013G>A (p.Gly1005Ser)

Gene: COL2A1 (collagen type II alpha 1 chain; minus strand). Cytogenetic location: 12q13.11.
Variant type: single nucleotide variant.
Coding change: c.3013G>A on transcript NM_001844.5 (MANE Select); coding-DNA position 3013, G replaced by A.
Protein change: p.Gly1005Ser; replaces glycine 1005 with serine.
Molecular consequence: missense variant.
Genome position (GRCh38, 1-based): chr12:47,978,108, C>T on the plus strand (G>A on the coding strand, the complement: COL2A1 is on the minus strand). VCF-style: chr12-47978108-C-T. GRCh37 (hg19) VCF-style: chr12-48371891-C-T.
Other names: c.2806G>A, p.Gly936Ser (NM_033150.3); short protein forms G936S, G1005S.
Identifiers: ClinVar variation 802841 (VCV000802841.6), dbSNP rs753342774, ClinGen allele CA6534912.

ClinVar aggregate classification (germline): Pathogenic/Likely pathogenic. Review status: criteria provided, multiple submitters, no conflicts (2 of 4 stars). 3 submissions from 3 submitters: Pathogenic (2); Likely pathogenic (1). Last evaluated 2024-12-24.

Conditions:
Type 2 collagenopathy. Identifiers: Orphanet 93421, MedGen C2931073, MONDO:0022800.
Stickler syndrome type 1 (STL1). Also called: ARTHROOPHTHALMOPATHY, HEREDITARY PROGRESSIVE; STICKLER SYNDROME, MEMBRANOUS VITREOUS TYPE; STICKLER SYNDROME, VITREOUS TYPE 1; COL2A1-Related Stickler Syndrome. Identifiers: Orphanet 828, Orphanet 90653, MedGen C2020284, MONDO:0007160, OMIM 108300.

Allele frequency attached by ClinVar (database versions not stated): gnomAD exomes below 0.00001; ExAC 0.00001.
gnomAD v4.1: 1 of 1,613,102 alleles (0.000062%); highest among the groups gnomAD compares: South Asian, 0.0011%; no homozygotes.

Submissions (3):

Victorian Clinical Genetics Services, Murdoch Childrens Research Institute
Classification: Pathogenic for Type 2 collagenopathy. Last evaluated: 2024-12-24. Review status: criteria provided, single submitter. Criteria: ACMG Guidelines, 2015. Collection method: clinical testing. Allele origin: germline. Affected: yes.
Comment: This variant is classified as Pathogenic. Evidence in support of pathogenic classification: Variant is present in gnomAD <0.001 for a dominant condition (v4: 1 heterozygote(s), 0 homozygote(s)); This variant has strong previous evidence of pathogenicity in unrelated individuals. This variant has been classified as likely pathogenic and pathogenic by clinical laboratories in ClinVar, and reported in the literature in individuals with achondrogenesis, hypochondrogenesis, and spondyloepimetaphyseal dysplasia, Strudwick type (PMID: 7741714, 31299979, 25604898); Variant is located in the well-established functional Gly-X-Y motif and affects a glycine residue (DECIPHER); Missense variant predicted to be damaging by in silico tool(s) or highly conserved with a major amino acid change; Additional information: Variant is predicted to result in a missense amino acid change from glycine to serine; This variant is heterozygous; This gene is associated with autosomal dominant disease; Alternative amino acid change(s) at the same position are present in gnomAD (Highest allele count: v4: 1 heterozygote(s), 0 homozygote(s); No published segregation evidence has been identified for this variant; Dominant negative and loss of function are known mechanisms of disease in this gene and are associated with COL2A1-related disorders. Loss of function variants have been reported to cause Stickler syndrome, whereas missense variants with a dominant negative effect on protein function result in spondyloepiphyseal or spondyloepimetaphyseal dysplasia (OMIM, PMID: 35052477, PMID: 15895462); Variants in this gene are known to have variable expressivity (PMID: 20301479).

Labcorp Genetics (formerly Invitae), Labcorp
Classification: Pathogenic. Last evaluated: 2023-06-15. Review status: criteria provided, single submitter. Criteria: Invitae Variant Classification Sherloc (09022015). Collection method: clinical testing. Allele origin: germline.
Comment: The frequency data for this variant in the population databases is considered unreliable, as metrics indicate poor data quality at this position in the gnomAD database. This sequence change replaces glycine, which is neutral and non-polar, with serine, which is neutral and polar, at codon 1005 of the COL2A1 protein (p.Gly1005Ser). This missense change has been observed in individual(s) with achondrogenesis type II and/or hypochondrogenesis (PMID: 7741714, 31299979). In at least one individual the variant was observed to be de novo. For these reasons, this variant has been classified as Pathogenic. This variant disrupts the triple helix domain of COL2A1. Glycine residues within the Gly-Xaa-Yaa repeats of the triple helix domain are required for the structure and stability of fibrillar collagens (PMID: 7695699, 8218237, 19344236). In COL2A1, variants affecting these glycine residues are significantly enriched in individuals with disease (PMID: 9016532, 17078022) compared to the general population (ExAC). Advanced modeling of protein sequence and biophysical properties (such as structural, functional, and spatial information, amino acid conservation, physicochemical variation, residue mobility, and thermodynamic stability) performed at Invitae indicates that this missense variant is expected to disrupt COL2A1 protein function. ClinVar contains an entry for this variant (Variation ID: 802841). This variant is also known as p.Gly805Ser.

Mendelics
Classification: Likely pathogenic for Stickler syndrome type 1. Last evaluated: 2019-05-28. Review status: criteria provided, single submitter. Criteria: Mendelics Assertion Criteria 2017. Collection method: clinical testing. Allele origin: unknown.

Literature cited by the submitters: PubMed 20301479 (cited by Victorian Clinical Genetics Services, Murdoch Childrens Research Institute); PubMed 7741714 (cited by Victorian Clinical Genetics Services, Murdoch Childrens Research Institute and Labcorp Genetics (formerly Invitae), Labcorp); PubMed 25604898 (cited by Victorian Clinical Genetics Services, Murdoch Childrens Research Institute); PubMed 15895462 (cited by Victorian Clinical Genetics Services, Murdoch Childrens Research Institute); PubMed 31299979 (cited by Victorian Clinical Genetics Services, Murdoch Childrens Research Institute and Labcorp Genetics (formerly Invitae), Labcorp); PubMed 35052477 (cited by Victorian Clinical Genetics Services, Murdoch Childrens Research Institute); PubMed 7695699 (cited by Labcorp Genetics (formerly Invitae), Labcorp); PubMed 8218237 (cited by Labcorp Genetics (formerly Invitae), Labcorp); PubMed 19344236 (cited by Labcorp Genetics (formerly Invitae), Labcorp); PubMed 9016532 (cited by Labcorp Genetics (formerly Invitae), Labcorp); PubMed 17078022 (cited by Labcorp Genetics (formerly Invitae), Labcorp).